The following is an entry in ClinVar:

ClinVar aggregate classification (germline): Likely benign (1 of 4 stars; one submission).

Allele frequency attached by ClinVar (database versions not stated): gnomAD exomes below 0.00001; gnomAD 0.00001.
gnomAD v4.1: 4 of 1,614,090 alleles (0.00025%); highest among the groups gnomAD compares: Non-Finnish European, 0.00034%; no homozygotes.

Submission:

Laboratorio de Genetica e Diagnostico Molecular, Hospital Israelita Albert Einstein
Classification: Likely benign. Last evaluated: 2020-04-08. Review status: criteria provided, single submitter. Criteria: ACMG Guidelines, 2015. Collection method: clinical testing. Allele origin: germline. Affected: yes.
Comment: ACMG classification criteria: PM2, BP1, BP4

NM_138927.4(SON):c.914C>G (p.Thr305Ser)

Gene: SON (SON DNA and RNA binding protein; plus strand). Cytogenetic location: 21q22.11.
Variant type: single nucleotide variant.
Coding change: c.914C>G on transcript NM_138927.4 (MANE Select); coding-DNA position 914, C replaced by G.
Protein change: p.Thr305Ser; replaces threonine 305 with serine.
Molecular consequence: missense variant. On other transcripts: non-coding transcript variant (1), intron variant (1).
Genome position (GRCh38, 1-based): chr21:33,550,145, C>G. VCF-style: chr21-33550145-C-G. GRCh37 (hg19) VCF-style: chr21-34922451-C-G.
Other names: c.914C>G, p.Thr305Ser (NM_001291411.2, NM_032195.3); c.244+3766C>G (NM_001291412.3); short protein forms T305S.
Identifiers: ClinVar variation 1690860 (VCV001690860.2), dbSNP rs1356794691, ClinGen allele CA410152768.